The following is an entry in ClinVar:

ClinVar aggregate classification (germline): Pathogenic/Likely pathogenic. Review status: criteria provided, multiple submitters, no conflicts (2 of 4 stars). 3 submissions from 3 submitters: Pathogenic (1); Likely pathogenic (2). Last evaluated 2024-05-20.

Conditions:
Retinoblastoma (RB1). Also called: RETINOBLASTOMA, SOMATIC. Identifiers: Orphanet 790, MedGen C0035335, MeSH D012175, MONDO:0008380, OMIM 180200, HP:0009919. Disease mechanism: loss of function. Inheritance: Both sporadic and heritable forms are tested..

Submissions (3):

Genetic Diagnostic Laboratory, University of Pennsylvania School of Medicine
Classification: Likely pathogenic for Retinoblastoma. Last evaluated: 2024-05-20. Review status: criteria provided, single submitter. Criteria: ACMG Guidelines, 2015. Collection method: clinical testing. Allele origin: germline. Affected: yes. Observed: 3 variant alleles.
Comment: Case and Pedigree Information: BILATERAL CASES:2, UNILATERAL CASES:1, TOTAL CASES:3, PEDIGREES:2. ACMG Codes Applied:PM1, PM2, PS4SUP

Labcorp Genetics (formerly Invitae), Labcorp
Classification: Pathogenic for Retinoblastoma. Last evaluated: 2024-02-26. Review status: criteria provided, single submitter. Criteria: Invitae Variant Classification Sherloc (09022015). Collection method: clinical testing. Allele origin: germline.
Comment: This variant occurs in a non-coding region of the RB1 gene. It does not change the encoded amino acid sequence of the RB1 protein. This variant is not present in population databases (gnomAD no frequency). This variant has been observed in individual(s) with retinoblastoma (PMID: 12541220, 33258708; Invitae). Algorithms developed to predict the effect of variants on protein structure and function are not available or were not evaluated for this variant. Experimental studies have shown that this variant affects RB1 function (PMID: 1881452, 8049153, 33258708). For these reasons, this variant has been classified as Pathogenic.

Department of Pediatrics, Memorial Sloan Kettering Cancer Center
Classification: Likely pathogenic for Retinoblastoma. Last evaluated: 2020-12-15. Review status: criteria provided, single submitter. Criteria: ACMG Guidelines, 2015. Collection method: research. Allele origin: germline. Affected: yes.

Literature cited by the submitters: PubMed 12541220 (cited by Labcorp Genetics (formerly Invitae), Labcorp); PubMed 33258708 (cited by Labcorp Genetics (formerly Invitae), Labcorp); PubMed 1881452 (cited by Labcorp Genetics (formerly Invitae), Labcorp); PubMed 8049153 (cited by Labcorp Genetics (formerly Invitae), Labcorp); PubMed 28873162 (cited by Department of Pediatrics, Memorial Sloan Kettering Cancer Center).

NM_000321.3(RB1):c.-206_-189del

Genes: RB1 (RB transcriptional corepressor 1; plus strand), RB1-DT (RB1 divergent transcript; minus strand). Cytogenetic location: 13q14.2.
Variant type: Deletion.
Coding change: c.-206_-189del on transcript NM_000321.3 (MANE Select); 206 bases upstream of the start codon through 189 bases upstream of the start codon, 18 bases deleted (CCGCGGGCGGAAGTGACG).
Genome position (GRCh38, 1-based): chr13:48,303,707-48,303,724, CCGCGGGCGGAAGTGACG deleted; deleting any 18 consecutive bases within chr13:48,303,701-48,303,724 gives the same sequence; the c. name uses the placement nearest the transcript's 3' end. VCF-style (leftmost placement, unchanged base first): chr13-48303700-CGTGACGCCGCGGGCGGAA-C. GRCh37 (hg19) VCF-style: chr13-48877836-CGTGACGCCGCGGGCGGAA-C.
Identifiers: ClinVar variation 995907 (VCV000995907.5), dbSNP rs2138025895, ClinGen allele CA2499222419.